The following is an entry in ClinVar:

ClinVar aggregate classification (germline): Conflicting classifications of pathogenicity. Review status: criteria provided, conflicting classifications (1 of 4 stars). 12 submissions from 11 submitters: Likely pathogenic (1); Uncertain significance (10). 1 of the submissions does not count toward it. Last evaluated 2025-12-10.

Conditions:
MYO7A-related disorder. Also called: MYO7A-related disorders.
Usher syndrome type 1 (USH1). Also called: RETINITIS PIGMENTOSA AND CONGENITAL DEAFNESS. Identifiers: Orphanet 231169, Orphanet 886, MedGen C1568247, MONDO:0010168, OMIM 276900.
Autosomal recessive nonsyndromic hearing loss 2. Also called: DEAFNESS, AUTOSOMAL RECESSIVE 2; NEUROSENSORY NONSYNDROMIC RECESSIVE DEAFNESS 2. Identifiers: Orphanet 90636, MedGen C1838701, MONDO:0010807, OMIM 600060.
Autosomal dominant nonsyndromic hearing loss 11. Identifiers: Orphanet 90635, MedGen C1832475, MONDO:0011032, OMIM 601317.
Usher syndrome type 1B (USH1B). Also called: Usher syndrome type IB. Identifiers: MedGen C1848638, MONDO:0700087.

Allele frequency attached by ClinVar (database versions not stated): TOPMed 0.00015; ESP Exome Variant Server 0.00024; gnomAD 0.00006.
gnomAD v4.1: 194 of 1,613,636 alleles (0.012%); highest among the groups gnomAD compares: Non-Finnish European, 0.015%; no homozygotes.

Submissions (12):

PreventionGenetics, part of Exact Sciences
Classification: Uncertain significance for MYO7A-related condition. Last evaluated: 2025-12-10. Review status: criteria provided, single submitter. Criteria: ACMG Guidelines, 2015. Collection method: clinical testing. Allele origin: germline.
Comment: The MYO7A c.4450C>T variant is predicted to result in the amino acid substitution p.Leu1484Phe. This variant has been reported in the compound heterozygous state along with a second missense variant in one patient with autosomal recessive Usher syndrome (Jaijo et al. 2006. PubMed ID: 16470552; Figure S1, Galbis-Martínez et al. 2021. PubMed ID: 33576163). In silico structural modeling predicts this variant occurs in the FERM domain, one of the three main domains believed to be a critical determinant of protein structure (Wu et al. 2011. PubMed ID: 21311020). This variant is reported in 0.010% of alleles in individuals of European (non-Finnish) descent in gnomAD, and is interpreted by the vast majority of laboratories in ClinVar as uncertain. At this time, the clinical significance of this variant is uncertain due to the absence of conclusive functional and genetic evidence.

GeneDx
Classification: Uncertain significance. Last evaluated: 2025-09-30. Review status: criteria provided, single submitter. Criteria: GeneDx Variant Classification Process June 2021. Collection method: clinical testing. Allele origin: germline. Affected: yes.
Comment: In silico analysis supports that this missense variant has a deleterious effect on protein structure/function; This variant is associated with the following publications: (PMID: 30245029, 34426522, 16470552, 33671976, 33576163, 36672771, 31964843)

Women's Health and Genetics/Laboratory Corporation of America, LabCorp
Classification: Uncertain significance. Last evaluated: 2025-01-13. Review status: criteria provided, single submitter. Criteria: LabCorp Variant Classification Summary - May 2015. Collection method: clinical testing. Allele origin: germline.
Comment: Variant summary: MYO7A c.4450C>T (p.Leu1484Phe) results in a non-conservative amino acid change located in the FERM domain C-lobe, repeat 1, of Myosin VII (MyoVII/Myo7) (IPR041793) of the encoded protein sequence. Four of five in-silico tools predict a damaging effect of the variant on protein function. The variant allele was found at a frequency of 5.6e-05 in 248864 control chromosomes. This frequency is not significantly higher than estimated for a pathogenic variant in MYO7A causing Usher Syndrome (5.6e-05 vs 0.0061), allowing no conclusion about variant significance. c.4450C>T has been reported in the literature in the compound heterozygous state in at least one individual affected with Usher Syndrome (Galbiz_Martinez_2021). These data do not allow any conclusion about variant significance. To our knowledge, no experimental evidence demonstrating an impact on protein function has been reported. The following publication have been ascertained in the context of this evaluation (PMID: 33576163). ClinVar contains an entry for this variant (Variation ID: 43241). Based on the evidence outlined above, the variant was classified as uncertain significance.

Labcorp Genetics (formerly Invitae), Labcorp
Classification: Uncertain significance. Last evaluated: 2024-12-24. Review status: criteria provided, single submitter. Criteria: Invitae Variant Classification Sherloc (09022015). Collection method: clinical testing. Allele origin: germline.
Comment: This sequence change replaces leucine, which is neutral and non-polar, with phenylalanine, which is neutral and non-polar, at codon 1484 of the MYO7A protein (p.Leu1484Phe). This variant is present in population databases (rs200416912, gnomAD 0.009%). This missense change has been observed in individual(s) with Usher syndrome (PMID: 16470552). ClinVar contains an entry for this variant (Variation ID: 43241). Invitae Evidence Modeling of protein sequence and biophysical properties (such as structural, functional, and spatial information, amino acid conservation, physicochemical variation, residue mobility, and thermodynamic stability) has been performed for this missense variant. However, the output from this modeling did not meet the statistical confidence thresholds required to predict the impact of this variant on MYO7A protein function. In summary, the available evidence is currently insufficient to determine the role of this variant in disease. Therefore, it has been classified as a Variant of Uncertain Significance.

Blueprint Genetics
Classification: Uncertain significance. Last evaluated: 2024-11-07. Review status: criteria provided, single submitter. Criteria: ACMG Guidelines, 2015. Collection method: clinical testing. Allele origin: germline.

Institute of Human Genetics, University of Leipzig Medical Center
Classification: Likely pathogenic for Usher syndrome type 1. Last evaluated: 2024-01-05. Review status: criteria provided, single submitter. Criteria: ACMG Guidelines, 2015. Collection method: clinical testing. Allele origin: germline. Inheritance: Autosomal recessive inheritance. Affected: yes. Observed: 1 variant allele, 1 compound heterozygote.
Comment: This variant was identified as compound-heterozygous with NM_000260.3:c.3283G>A, p.(Glu1095Lys). The variant has often been identified in individuals with autosomal recessive Usher Syndrome (PMID: 16470552, 30245029, 31964843, 33576163, 36672771). In silico predictions suggest a pathogenic effect. The variant has not been observed as homozygous in the general population (gnomAD). It is therefore classified as likely pathogenic with the following ACMG criteria applied: PM3_STR, PM2_SUP, PP3

Department of Pathology and Laboratory Medicine, Sinai Health System
Classification: Uncertain significance for Usher syndrome type 1; Autosomal recessive nonsyndromic hearing loss 2; Autosomal dominant nonsyndromic hearing loss 11. Last evaluated: 2022-02-07. Review status: criteria provided, single submitter. Criteria: ACMG Guidelines, 2015. Collection method: research. Allele origin: germline.

Myriad Genetics, Inc.
Classification: Uncertain significance for Usher syndrome type 1. Last evaluated: 2021-10-01. Review status: criteria provided, single submitter. Criteria: Myriad Women's Health Autosomal Recessive and X-Linked Classification Criteria (2021). Collection method: clinical testing. Allele origin: unknown.
Comment: NM_000260.3(MYO7A):c.4450C>T(L1484F) is a missense variant classified as a variant of uncertain significance in the context of MYO7A-related disorders. L1484F has been observed in cases with relevant disease (PMID: 16470552). Functional assessments of this variant are not available in the literature. L1484F has been observed in population frequency databases (gnomAD: NFE 0.01%). In summary, there is insufficient evidence to classify NM_000260.3(MYO7A):c.4450C>T(L1484F) as pathogenic or benign. Please note: this variant was assessed in the context of healthy population screening.

Illumina Laboratory Services, Illumina
Classification: Uncertain significance for Autosomal dominant nonsyndromic hearing loss 11. Last evaluated: 2018-10-26. Review status: criteria provided, single submitter. Criteria: ICSL Variant Classification Criteria 13 December 2019. Collection method: clinical testing. Allele origin: germline.
Comment: This variant was observed as part of a predisposition screen in an ostensibly healthy population. A literature search was performed for the gene, cDNA change, and amino acid change (where applicable). Publications were found based on this search. However, the evidence from the literature, in combination with allele frequency data from public databases where available, was not sufficient to rule this variant in or out of causing disease. Therefore, this variant is classified as a variant of unknown significance.

Illumina Laboratory Services, Illumina
Classification: Uncertain significance for Autosomal recessive nonsyndromic hearing loss 2. Last evaluated: 2018-10-26. Review status: criteria provided, single submitter. Criteria: ICSL Variant Classification Criteria 13 December 2019. Collection method: clinical testing. Allele origin: germline.
Comment: the same text as in the submission from Illumina Laboratory Services, Illumina above.

Laboratory for Molecular Medicine, Mass General Brigham Personalized Medicine
Classification: Uncertain significance. Last evaluated: 2013-03-11. Review status: criteria provided, single submitter. Criteria: LMM Criteria. Collection method: clinical testing. Allele origin: germline. Observed: 1 variant allele.
Comment: The Leu1484Phe variant in MYO7A has been reported in one individual with the cli nical features of Usher syndome type I who carried a second missense variant in MYO7A (Jaijo 2006), but has not been identified in any additional affected indiv iduals. However, this variant has been seen in 0.04% (3/8342) of European Americ an chromosomes in a broad population by the NHLBI Exome Sequencing Project (dbSNP rs200316912); though this frequency is not h igh enough to rule out a pathogenic rule. Computational analyses (biochemical am ino acid properties, conservation, AlignGVGD, PolyPhen2, and SIFT) do not provid e strong support for or against an impact to the protein. In summary, additional information is needed to determine the clinical significance of this variant.

Natera, Inc.
Classification: Uncertain significance for Usher syndrome type 1B. Last evaluated: 2020-09-16. Review status: no assertion criteria provided. Collection method: clinical testing. Allele origin: germline. Not counted in ClinVar's aggregate classification.

Literature cited by the submitters: PubMed 33576163 (cited by Women's Health and Genetics/Laboratory Corporation of America, LabCorp and Institute of Human Genetics, University of Leipzig Medical Center); PubMed 16470552 (cited by 5 submitters); PubMed 30245029 (cited by Institute of Human Genetics, University of Leipzig Medical Center); PubMed 31964843 (cited by Institute of Human Genetics, University of Leipzig Medical Center); PubMed 36672771 (cited by Institute of Human Genetics, University of Leipzig Medical Center); PubMed 21311020 (cited by Illumina Laboratory Services, Illumina).

NM_000260.4(MYO7A):c.4450C>T (p.Leu1484Phe)

Gene: MYO7A (myosin VIIA; plus strand). Cytogenetic location: 11q13.5.
Variant type: single nucleotide variant.
Coding change: c.4450C>T on transcript NM_000260.4 (MANE Select); coding-DNA position 4450, C replaced by T.
Protein change: p.Leu1484Phe; replaces leucine 1484 with phenylalanine.
Molecular consequence: missense variant.
Genome position (GRCh38, 1-based): chr11:77,198,503, C>T. VCF-style: chr11-77198503-C-T. GRCh37 (hg19) VCF-style: chr11-76909548-C-T.
Other names: c.4450C>T, p.Leu1484Phe (NM_001127180.2); c.4417C>T, p.Leu1473Phe (NM_001369365.1); short protein forms L1484F, L1473F.
Identifiers: ClinVar variation 43241 (VCV000043241.30), dbSNP rs200416912, ClinGen allele CA132324.